The following is an entry in ClinVar:

ClinVar aggregate classification (germline): Uncertain significance (1 of 4 stars; one submission).

Conditions:
Charcot-Marie-Tooth disease axonal type 2O. Also called: CHARCOT-MARIE-TOOTH NEUROPATHY, AXONAL, TYPE 2O; CHARCOT-MARIE-TOOTH DISEASE, AXONAL, AUTOSOMAL DOMINANT, TYPE 2O; Charcot-Marie-Tooth Neuropathy Type 2O; Charcot-Marie-Tooth disease, axonal, type 20. Identifiers: Orphanet 284232, MedGen C3280220, MONDO:0013644, OMIM 614228.

Submission:

Labcorp Genetics (formerly Invitae), Labcorp
Classification: Uncertain significance for Charcot-Marie-Tooth disease axonal type 2O. Last evaluated: 2019-06-13. Review status: criteria provided, single submitter. Criteria: Invitae Variant Classification Sherloc (09022015). Collection method: clinical testing. Allele origin: germline.
Comment: In summary, the available evidence is currently insufficient to determine the role of this variant in disease. Therefore, it has been classified as a Variant of Uncertain Significance. Algorithms developed to predict the effect of missense changes on protein structure and function are either unavailable or do not agree on the potential impact of this missense change (SIFT: "Deleterious"; PolyPhen-2: "Benign"; Align-GVGD: "Class C35"). This variant has not been reported in the literature in individuals with DYNC1H1-related conditions. This variant is not present in population databases (ExAC no frequency). This sequence change replaces lysine with asparagine at codon 4601 of the DYNC1H1 protein (p.Lys4601Asn). The lysine residue is moderately conserved and there is a moderate physicochemical difference between lysine and asparagine.

NM_001376.5(DYNC1H1):c.13803G>C (p.Lys4601Asn)

Gene: DYNC1H1 (dynein cytoplasmic 1 heavy chain 1; plus strand). Cytogenetic location: 14q32.31.
Variant type: single nucleotide variant.
Coding change: c.13803G>C on transcript NM_001376.5 (MANE Select); coding-DNA position 13803, G replaced by C.
Protein change: p.Lys4601Asn; replaces lysine 4601 with asparagine.
Molecular consequence: missense variant.
Genome position (GRCh38, 1-based): chr14:102,050,189, G>C. VCF-style: chr14-102050189-G-C. GRCh37 (hg19) VCF-style: chr14-102516526-G-C.
Other names: short protein forms K4601N.
Identifiers: ClinVar variation 952146 (VCV000952146.9), dbSNP rs2048788302, ClinGen allele CA391052230.